The following is an entry in ClinVar:

ClinVar aggregate classification (germline): Uncertain significance (1 of 4 stars; one submission).

Conditions:
Charcot-Marie-Tooth disease recessive intermediate C. Also called: CHARCOT-MARIE-TOOTH NEUROPATHY, RECESSIVE INTERMEDIATE C. Identifiers: Orphanet 369867, MedGen C3809309, MONDO:0014154, OMIM 615376.
Neuronopathy, distal hereditary motor, autosomal recessive 4. Also called: Autosomal recessive lower motor neuron disease with childhood onset; NEUROPATHY, DISTAL HEREDITARY MOTOR, AUTOSOMAL RECESSIVE 4. Identifiers: Orphanet 206580, MedGen C1970211, MONDO:0012608, OMIM 611067.

Submission:

Labcorp Genetics (formerly Invitae), Labcorp
Classification: Uncertain significance for Neuronopathy, distal hereditary motor, autosomal recessive 4; Charcot-Marie-Tooth disease recessive intermediate C. Last evaluated: 2022-12-06. Review status: criteria provided, single submitter. Criteria: Invitae Variant Classification Sherloc (09022015). Collection method: clinical testing. Allele origin: germline.
Comment: This variant, c.1328_1330dup, results in the insertion of 1 amino acid(s) of the PLEKHG5 protein (p.Glu443dup), but otherwise preserves the integrity of the reading frame. This variant is not present in population databases (gnomAD no frequency). This variant has not been reported in the literature in individuals affected with PLEKHG5-related conditions. Experimental studies and prediction algorithms are not available or were not evaluated, and the functional significance of this variant is currently unknown. In summary, the available evidence is currently insufficient to determine the role of this variant in disease. Therefore, it has been classified as a Variant of Uncertain Significance.

NM_020631.6(PLEKHG5):c.1322AGG[4] (p.Glu443_Gly444insGlu)

Gene: PLEKHG5 (pleckstrin homology and RhoGEF domain containing G5; minus strand). Cytogenetic location: 1p36.31.
Variant type: Microsatellite.
Coding change: c.1322AGG[4] on transcript NM_020631.6 (MANE Select); four copies in a row of the 3-base unit AGG starting at c.1322; the reference has three copies in a row; one copy, 3 bases duplicated.
Protein change: p.Glu443_Gly444insGlu.
Molecular consequence: inframe insertion. On other transcripts: inframe indel (4).
Genome position (GRCh38, 1-based): chr1:6,471,052-6,471,054, CCT duplicated on the plus strand (AGG on the coding strand, the reverse complement: PLEKHG5 is on the minus strand); duplicating any 3 consecutive bases within chr1:6,471,052-6,471,062 gives the same sequence; the position shown is the placement nearest the transcript's 3' end. VCF-style (leftmost placement, unchanged base first): chr1-6471051-C-CCCT. GRCh37 (hg19) VCF-style: chr1-6531111-C-CCCT.
Other names: c.1433AGG[4], p.Glu480_Gly481insGlu (NM_001042663.3, NM_001265592.2); c.1320_1322GGA[4], p.Glu443_Gly444insGlu (NM_001042664.2, NM_001042665.2, NM_001265594.3); c.1527_1529GGA[4], p.Glu512_Gly513insGlu (NM_001265593.2); c.1322AGG[4], p.Glu443_Gly444insGlu (NM_198681.4).
Identifiers: ClinVar variation 1508633 (VCV001508633.8), dbSNP rs2148583756, ClinGen allele CA2574194980.